The following is an entry in ClinVar:

ClinVar aggregate classification (germline): Uncertain significance (1 of 4 stars; one submission).

Submission:

Labcorp Genetics (formerly Invitae), Labcorp
Classification: Uncertain significance. Last evaluated: 2023-08-27. Review status: criteria provided, single submitter. Criteria: Invitae Variant Classification Sherloc (09022015). Collection method: clinical testing. Allele origin: germline.
Comment: This variant has not been reported in the literature in individuals affected with ZMIZ1-related conditions. Advanced modeling of protein sequence and biophysical properties (such as structural, functional, and spatial information, amino acid conservation, physicochemical variation, residue mobility, and thermodynamic stability) performed at Invitae indicates that this missense variant is not expected to disrupt ZMIZ1 protein function. In summary, the available evidence is currently insufficient to determine the role of this variant in disease. Therefore, it has been classified as a Variant of Uncertain Significance. This sequence change replaces proline, which is neutral and non-polar, with serine, which is neutral and polar, at codon 245 of the ZMIZ1 protein (p.Pro245Ser). This variant is not present in population databases (gnomAD no frequency).

NM_020338.4(ZMIZ1):c.733C>T (p.Pro245Ser)

Gene: ZMIZ1 (zinc finger MIZ-type containing 1; plus strand). Cytogenetic location: 10q22.3.
Variant type: single nucleotide variant.
Coding change: c.733C>T on transcript NM_020338.4 (MANE Select); coding-DNA position 733, C replaced by T.
Protein change: p.Pro245Ser; replaces proline 245 with serine.
Molecular consequence: missense variant.
Genome position (GRCh38, 1-based): chr10:79,291,151, C>T. VCF-style: chr10-79291151-C-T. GRCh37 (hg19) VCF-style: chr10-81050908-C-T.
Other names: short protein forms P245S.
Identifiers: ClinVar variation 2755368 (VCV002755368.3), dbSNP rs2493821916, ClinGen allele CA377332659.